The following is an entry in ClinVar:

ClinVar aggregate classification (germline): Uncertain significance (1 of 4 stars; one submission).

gnomAD v4.1: 4 of 1,613,892 alleles (0.00025%); highest among the groups gnomAD compares: African/African-American, 0.0013%; no homozygotes.

Submission:

Women's Health and Genetics/Laboratory Corporation of America, LabCorp
Classification: Uncertain significance. Last evaluated: 2025-03-31. Review status: criteria provided, single submitter. Criteria: LabCorp Variant Classification Summary - May 2015. Collection method: clinical testing. Allele origin: germline.
Comment: Variant summary: ZNF462 c.4610G>A (p.Arg1537Gln) results in a conservative amino acid change in the encoded protein sequence. Three of five in-silico tools predict a damaging effect of the variant on protein function. The variant allele was found at a frequency of 8e-06 in 251190 control chromosomes. The available data on variant occurrences in the general population are insufficient to allow any conclusion about variant significance. To our knowledge, no occurrence of c.4610G>A in individuals affected with Weiss-Kruszka Syndrome and no experimental evidence demonstrating its impact on protein function have been reported. No submitters have cited clinical-significance assessments for this variant to ClinVar. Based on the evidence outlined above, the variant was classified as uncertain significance.

NM_021224.6(ZNF462):c.4610G>A (p.Arg1537Gln)

Gene: ZNF462 (zinc finger protein 462; plus strand). Cytogenetic location: 9q31.2.
Variant type: single nucleotide variant.
Coding change: c.4610G>A on transcript NM_021224.6 (MANE Select); coding-DNA position 4610, G replaced by A.
Protein change: p.Arg1537Gln; replaces arginine 1537 with glutamine.
Molecular consequence: missense variant. On other transcripts: intron variant (1).
Genome position (GRCh38, 1-based): chr9:106,928,522, G>A. VCF-style: chr9-106928522-G-A. GRCh37 (hg19) VCF-style: chr9-109690803-G-A.
Other names: c.3252+1358G>A (NM_001347997.2); short protein forms R1537Q.
Identifiers: ClinVar variation 3895978 (VCV003895978.1).